The following is an entry in ClinVar:

ClinVar aggregate classification (germline): Conflicting classifications of pathogenicity. Review status: criteria provided, conflicting classifications (1 of 4 stars). 2 submissions from 2 submitters: Uncertain significance (1); Likely benign (1). Last evaluated 2025-01-06.

Conditions:
Inborn genetic diseases. Identifiers: MedGen C0950123, MeSH D030342.

Allele frequency attached by ClinVar (database versions not stated): gnomAD exomes 0.00001; TOPMed 0.00011; gnomAD 0.00015 and 0.00016.

Submissions (2):

Labcorp Genetics (formerly Invitae), Labcorp
Classification: Uncertain significance. Last evaluated: 2025-01-06. Review status: criteria provided, single submitter. Criteria: Invitae Variant Classification Sherloc (09022015). Collection method: clinical testing. Allele origin: germline.
Comment: This sequence change replaces methionine, which is neutral and non-polar, with valine, which is neutral and non-polar, at codon 144 of the PKDCC protein (p.Met144Val). This variant is present in population databases (no rsID available, gnomAD 0.01%). This variant has not been reported in the literature in individuals affected with PKDCC-related conditions. ClinVar contains an entry for this variant (Variation ID: 1405940). An algorithm developed to predict the effect of missense changes on protein structure and function outputs the following: PolyPhen-2: "Benign". The valine amino acid residue is found in multiple mammalian species, which suggests that this missense change does not adversely affect protein function. In summary, the available evidence is currently insufficient to determine the role of this variant in disease. Therefore, it has been classified as a Variant of Uncertain Significance.

Ambry Genetics
Classification: Likely benign for Inborn genetic diseases. Last evaluated: 2023-04-07. Review status: criteria provided, single submitter. Criteria: Ambry Variant Classification Scheme 2023. Collection method: clinical testing. Allele origin: germline.

NM_138370.3(PKDCC):c.430A>G (p.Met144Val)

Gene: PKDCC (protein kinase domain containing, cytoplasmic; plus strand). Cytogenetic location: 2p21.
Variant type: single nucleotide variant.
Coding change: c.430A>G on transcript NM_138370.3 (MANE Select); coding-DNA position 430, A replaced by G.
Protein change: p.Met144Val; replaces methionine 144 with valine.
Molecular consequence: missense variant.
Genome position (GRCh38, 1-based): chr2:42,048,629, A>G. VCF-style: chr2-42048629-A-G. GRCh37 (hg19) VCF-style: chr2-42275769-A-G.
Other names: c.430A>G (NM_138370.2); short protein forms M144V.
Identifiers: ClinVar variation 1405940 (VCV001405940.7), dbSNP rs1325693451, ClinGen allele CA346623152.